The following is an entry in ClinVar:

NM_000059.4(BRCA2):c.6931C>G (p.Pro2311Ala)

Gene: BRCA2 (BRCA2 DNA repair associated; plus strand). Cytogenetic location: 13q13.1.
Variant type: single nucleotide variant.
Coding change: c.6931C>G on transcript NM_000059.4 (MANE Select); coding-DNA position 6931, C replaced by G.
Protein change: p.Pro2311Ala; replaces proline 2311 with alanine.
Molecular consequence: missense variant.
Genome position (GRCh38, 1-based): chr13:32,344,647, C>G. VCF-style: chr13-32344647-C-G. GRCh37 (hg19) VCF-style: chr13-32918784-C-G.
Other names: short protein forms P2311A.
Identifiers: ClinVar variation 948106 (VCV000948106.8), dbSNP rs730881551, ClinGen allele CA387792945.

ClinVar aggregate classification (germline): Uncertain significance (1 of 4 stars; one submission).

Conditions:
Hereditary breast ovarian cancer syndrome. Also called: Hereditary breast and/or ovarian cancer syndrome; Hereditary breast and ovarian cancer syndrome; Hereditary breast and ovarian cancer syndrome (HBOC); Breast and ovarian cancer; BRCA1- and BRCA2-Associated Hereditary Breast and Ovarian Cancer; Hereditary breast and ovarian cancer. Identifiers: Orphanet 145, MedGen C0677776, MeSH D061325, MONDO:0003582. Disease mechanism: loss of function.

Submission:

Labcorp Genetics (formerly Invitae), Labcorp
Classification: Uncertain significance for Hereditary breast ovarian cancer syndrome. Last evaluated: 2021-11-26. Review status: criteria provided, single submitter. Criteria: Invitae Variant Classification Sherloc (09022015). Collection method: clinical testing. Allele origin: germline.
Comment: This variant is not present in population databases (gnomAD no frequency). This sequence change replaces proline, which is neutral and non-polar, with alanine, which is neutral and non-polar, at codon 2311 of the BRCA2 protein (p.Pro2311Ala). This variant has not been reported in the literature in individuals affected with BRCA2-related conditions. ClinVar contains an entry for this variant (Variation ID: 948106). Advanced modeling of protein sequence and biophysical properties (such as structural, functional, and spatial information, amino acid conservation, physicochemical variation, residue mobility, and thermodynamic stability) performed at Invitae indicates that this missense variant is not expected to disrupt BRCA2 protein function. In summary, the available evidence is currently insufficient to determine the role of this variant in disease. Therefore, it has been classified as a Variant of Uncertain Significance.